The following is an entry in ClinVar:

ClinVar aggregate classification (germline): Pathogenic (1 of 4 stars; one submission).

Conditions:
Beckwith-Wiedemann syndrome (BWS). Also called: EMG SYNDROME; Exomphalos macroglossia gigantism syndrome. Identifiers: Orphanet 116, MedGen C0004903, MONDO:0007534, OMIM 130650.

Submission:

Center for Human Genetics and Genomic Medicine, Uniklinik Rwth Aachen
Classification: Pathogenic for Beckwith-Wiedemann syndrome. Last evaluated: 2026-11-02. Review status: criteria provided, single submitter. Criteria: ACMG Guidelines, 2015. Collection method: clinical testing. Allele origin: maternal. Inheritance: Autosomal dominant inheritance with paternal imprinting. Affected: yes. Observed: 1 variant allele, 1 heterozygote.
Comment: This variant has been identified for several times (n=8, published as well as unpulished in patients with BWS and IC1 gain of methylation. In all cases, the maternal allele was affected. A specific methylation pattern of the IC1 GOM is observed across the whole DMR by long- and short read sequencing. In the different familial and de-novo cases, the following ACMG criteria can be applied: PS2, PS3_mod, PM1, PM2_supp, PP1, PP4.

Literature cited by the submitters: PubMed 31235774; PubMed 23572028; PubMed 41634744.

NC_000011.10:g.2001789A>G

Genes: H19-ICR (H19/IGF2 imprinting control region; plus strand), MRPL23 (mitochondrial ribosomal protein L23; plus strand). Cytogenetic location: 11p15.5.
Variant type: single nucleotide variant.
Molecular consequence: intron variant (on NM_001400176.1).
Genome position: GRCh38 VCF-style: chr11-2001789-A-G. GRCh37 (hg19) VCF-style: chr11-2023019-A-G.
Other names: c.498-9752A>G (NM_001400176.1).
Identifiers: ClinVar variation 5043525 (VCV005043525.1).
Genomic context (GRCh38, chr11:2,001,789, plus strand): 5'-CCCAGAATAAAGCAGCAGTGGCACTCCCAGCTCTTTAGCATCTCAAGCTCCTAAATTAGC[A>G]TCTCAAACCTGCACTGAATGGGAATGTTAATGTCTGGCCACTTAAGATTGACAAGCTCAG-3'